The following is an entry in ClinVar:

ClinVar aggregate classification (germline): Pathogenic (1 of 4 stars; one submission).

Conditions:
Spastic paraplegia. Identifiers: MedGen C0037772, HP:0001258.

Allele frequency attached by ClinVar (database versions not stated): gnomAD exomes below 0.00001.

Submission:

Labcorp Genetics (formerly Invitae), Labcorp
Classification: Pathogenic for Spastic paraplegia. Last evaluated: 2022-06-15. Review status: criteria provided, single submitter. Criteria: Invitae Variant Classification Sherloc (09022015). Collection method: clinical testing. Allele origin: germline.
Comment: For these reasons, this variant has been classified as Pathogenic. ClinVar contains an entry for this variant (Variation ID: 241466). This variant has not been reported in the literature in individuals affected with FA2H-related conditions. This variant is present in population databases (no rsID available, gnomAD 0.003%). This sequence change creates a premature translational stop signal (p.Pro274Argfs*38) in the FA2H gene. It is expected to result in an absent or disrupted protein product. Loss-of-function variants in FA2H are known to be pathogenic (PMID: 20853438, 25496456, 25732363, 26344562).

Literature cited by the submitters: PubMed 20853438; PubMed 25496456; PubMed 25732363; PubMed 26344562.

NM_024306.5(FA2H):c.821_822del (p.Pro274fs)

Gene: FA2H (fatty acid 2-hydroxylase; minus strand). Cytogenetic location: 16q23.1.
Variant type: Deletion.
Coding change: c.821_822del on transcript NM_024306.5 (MANE Select); coding-DNA positions 821 to 822, 2 bases deleted (CT; older notation c.821_822delCT).
Protein change: p.Pro274fs; shifts the reading frame from proline 274.
Molecular consequence: frameshift variant.
Genome position (GRCh38, 1-based): chr16:74,716,564-74,716,565, AG deleted on the plus strand (CT on the coding strand, the reverse complement: FA2H is on the minus strand). VCF-style (leftmost placement, unchanged base first): chr16-74716563-CAG-C. GRCh37 (hg19) VCF-style: chr16-74750461-CAG-C.
Other names: short protein forms P274fs.
Identifiers: ClinVar variation 241466 (VCV000241466.6), dbSNP rs878855083, ClinGen allele CA10583426.